The following is an entry in ClinVar:

ClinVar aggregate classification (germline): Uncertain significance (1 of 4 stars; one submission).

Submission:

Labcorp Genetics (formerly Invitae), Labcorp
Classification: Uncertain significance. Last evaluated: 2023-10-15. Review status: criteria provided, single submitter. Criteria: Invitae Variant Classification Sherloc (09022015). Collection method: clinical testing. Allele origin: germline.
Comment: This sequence change replaces glycine, which is neutral and non-polar, with alanine, which is neutral and non-polar, at codon 214 of the KIDINS220 protein (p.Gly214Ala). This variant is not present in population databases (gnomAD no frequency). This variant has not been reported in the literature in individuals affected with KIDINS220-related conditions. An algorithm developed to predict the effect of missense changes on protein structure and function (PolyPhen-2) suggests that this variant is likely to be disruptive. In summary, the available evidence is currently insufficient to determine the role of this variant in disease. Therefore, it has been classified as a Variant of Uncertain Significance.

NM_020738.4(KIDINS220):c.641G>C (p.Gly214Ala)

Gene: KIDINS220 (kinase D interacting substrate 220; minus strand). Cytogenetic location: 2p25.1.
Variant type: single nucleotide variant.
Coding change: c.641G>C on transcript NM_020738.4 (MANE Select); coding-DNA position 641, G replaced by C.
Protein change: p.Gly214Ala; replaces glycine 214 with alanine.
Molecular consequence: missense variant. On other transcripts: non-coding transcript variant (2).
Genome position (GRCh38, 1-based): chr2:8,803,090, C>G on the plus strand (G>C on the coding strand, the complement: KIDINS220 is on the minus strand). VCF-style: chr2-8803090-C-G. GRCh37 (hg19) VCF-style: chr2-8943220-C-G.
Other names: c.644G>C, p.Gly215Ala (NM_001348729.2, NM_001348731.2, NM_001348734.2 and 3 more transcripts); c.641G>C, p.Gly214Ala (NM_001348732.2, NM_001348735.2, NM_001348738.2 and 3 more transcripts); c.515G>C, p.Gly172Ala (NM_001348736.2); short protein forms G172A, G214A, G215A.
Identifiers: ClinVar variation 3007816 (VCV003007816.3), dbSNP rs2528161838, ClinGen allele CA345773197.
Genomic context (GRCh38, chr2:8,803,090, plus strand): 5'-TTATCTGTTAAGTTTACATTTGGATTCCTCTTCAAAATTTCTTTTACTGACTGTGTGTAA[C>G]CTCCTTTCACTGCCACAATAAGTGCAGTCATTGAATTCTAAAAACAACAACAACAAAAAC-3'
Protein context (NP_065789.1, residues 204-224): MTALIVAVKG[Gly214Ala]YTQSVKEILK